The following is an entry in ClinVar:

NM_000053.4(ATP7B):c.2275A>T (p.Ser759Cys)

Gene: ATP7B (ATPase copper transporting beta; minus strand). Cytogenetic location: 13q14.3.
Variant type: single nucleotide variant.
Coding change: c.2275A>T on transcript NM_000053.4 (MANE Select); coding-DNA position 2275, A replaced by T.
Protein change: p.Ser759Cys; replaces serine 759 with cysteine.
Molecular consequence: missense variant. On other transcripts: intron variant (2).
Genome position (GRCh38, 1-based): chr13:51,958,391, T>A on the plus strand (A>T on the coding strand, the complement: ATP7B is on the minus strand). VCF-style: chr13-51958391-T-A. GRCh37 (hg19) VCF-style: chr13-52532527-T-A.
Other names: c.1942A>T, p.Ser648Cys (NM_001243182.2); c.2023A>T, p.Ser675Cys (NM_001330579.2); c.1870-784A>T (NM_001005918.3); c.2122-784A>T (NM_001330578.2); short protein forms S648C, S675C, S759C.
Identifiers: ClinVar variation 1098818 (VCV001098818.1), dbSNP rs2139534075, ClinGen allele CA388022027.

ClinVar aggregate classification (germline): Uncertain significance (1 of 4 stars; one submission).

Submission:

Women's Health and Genetics/Laboratory Corporation of America, LabCorp
Classification: Uncertain significance. Last evaluated: 2021-04-21. Review status: criteria provided, single submitter. Criteria: LabCorp Variant Classification Summary - May 2015. Collection method: clinical testing. Allele origin: germline.
Comment: Variant summary: ATP7B c.2275A>T (p.Ser759Cys) results in a non-conservative amino acid change in the encoded protein sequence. Five of five in-silico tools predict a damaging effect of the variant on protein function. The variant was absent in 249582 control chromosomes. The available data on variant occurrences in the general population are insufficient to allow any conclusion about variant significance. To our knowledge, no occurrence of c.2275A>T in individuals affected with Wilson Disease and no experimental evidence demonstrating its impact on protein function have been reported. No clinical diagnostic laboratories have submitted clinical-significance assessments for this variant to ClinVar after 2014. Based on the evidence outlined above, the variant was classified as uncertain significance.